The following is an entry in ClinVar:

ClinVar aggregate classification (germline): Uncertain significance (1 of 4 stars; one submission).

Conditions:
Hereditary cancer-predisposing syndrome. Also called: Neoplastic Syndromes, Hereditary; Tumor predisposition; Hereditary Cancer Syndrome; Hereditary neoplastic syndrome. Identifiers: Orphanet 140162, MedGen C0027672, MeSH D009386, MONDO:0015356.

Submission:

Ambry Genetics
Classification: Uncertain significance for Hereditary cancer-predisposing syndrome. Last evaluated: 2026-06-10. Review status: criteria provided, single submitter. Criteria: Ambry Variant Classification Scheme 2023. Collection method: clinical testing. Allele origin: germline.
Comment: The p.P181T variant (also known as c.541C>A), located in coding exon 3 of the RET gene, results from a C to A substitution at nucleotide position 541. The proline at codon 181 is replaced by threonine, an amino acid with highly similar properties. This amino acid position is conserved. In addition, this alteration is predicted to be tolerated by in silico analysis. Based on the available evidence, the clinical significance of this variant remains unclear.

NM_020975.6(RET):c.541C>A (p.Pro181Thr)

Gene: RET (ret proto-oncogene; plus strand). Cytogenetic location: 10q11.21.
Variant type: single nucleotide variant.
Coding change: c.541C>A on transcript NM_020975.6 (MANE Select); coding-DNA position 541, C replaced by A.
Protein change: p.Pro181Thr; replaces proline 181 with threonine.
Molecular consequence: missense variant. On other transcripts: intron variant (15).
Genome position (GRCh38, 1-based): chr10:43,102,545, C>A. VCF-style: chr10-43102545-C-A. GRCh37 (hg19) VCF-style: chr10-43597993-C-A.
Other names: c.541C>A, p.Pro181Thr (NM_001406743.1, NM_001406744.1, NM_001406759.1 and 14 more transcripts); c.412C>A, p.Pro138Thr (NM_001406774.1, NM_001406783.1, NM_001406786.1 and 4 more transcripts); c.337+1823C>A (NM_001406770.1, NM_001406766.1, NM_001406767.1 and 8 more transcripts); c.74-6486C>A (NM_001406784.1); c.74-9554C>A (NM_001406794.1, NM_001406792.1, NM_001406793.1); short protein forms P138T, P181T.
Identifiers: ClinVar variation 4863286 (VCV004863286.1).
Genomic context (GRCh38, chr10:43,102,545, plus strand): 5'-AAGCCCCGGGAGCTCTGCTTCCCAGAGACAAGGCCCTCCTTCCGCATTCGGGAGAACCGA[C>A]CCCCAGGCACCTTCCACCAGTTCCGCCTGCTGCCTGTGCAGTTCTTGTGCCCCAACATCA-3'
Protein context (NP_066124.1, residues 171-191): RPSFRIRENR[Pro181Thr]PGTFHQFRLL